The following is an entry in ClinVar:

ClinVar aggregate classification (germline): Conflicting classifications of pathogenicity. Review status: criteria provided, conflicting classifications (1 of 4 stars). 7 submissions from 7 submitters: Uncertain significance (5); Benign (1). 1 of the submissions does not count toward it. Last evaluated 2025-07-28.

Conditions:
PHOX2B-related disorder. Also called: PHOX2B-related condition.
Hereditary cancer-predisposing syndrome. Also called: Hereditary Cancer Syndrome; Hereditary neoplastic syndrome; Tumor predisposition; Neoplastic Syndromes, Hereditary. Identifiers: Orphanet 140162, MedGen C0027672, MeSH D009386, MONDO:0015356.
Congenital central hypoventilation. Also called: Congenital Central Hypoventilation Syndrome. Identifiers: Orphanet 661, Orphanet 99803, MedGen C1275808, MONDO:0800031. Disease mechanism: gain of function.
Neuroblastoma, susceptibility to, 2. Identifiers: Orphanet 635, MedGen C2751682, MONDO:0700041, OMIM 613013.
Haddad syndrome (OHD). Also called: Ondine-Hirschsprung disease. Identifiers: Orphanet 99803, MedGen C1859049, MONDO:0020493.

Allele frequency attached by ClinVar (database versions not stated): ExAC 0.00002; gnomAD exomes 0.00003 and 0.00004; gnomAD 0.00018; 1000 Genomes Project 30x 0.00031; 1000 Genomes Project 0.00040; TOPMed 0.00043.
gnomAD v4.1: 85 of 1,614,194 alleles (0.0053%); highest among the groups gnomAD compares: Admixed American, 0.067%; no homozygotes.

Submissions (7):

Labcorp Genetics (formerly Invitae), Labcorp
Classification: Uncertain significance for Haddad syndrome. Last evaluated: 2025-07-28. Review status: criteria provided, single submitter. Criteria: Invitae Variant Classification Sherloc (09022015). Collection method: clinical testing. Allele origin: germline.
Comment: This sequence change replaces serine, which is neutral and polar, with threonine, which is neutral and polar, at codon 76 of the PHOX2B protein (p.Ser76Thr). This variant is present in population databases (rs532711949, gnomAD 0.02%). This variant has not been reported in the literature in individuals affected with PHOX2B-related conditions. ClinVar contains an entry for this variant (Variation ID: 486030). Invitae Evidence Modeling of protein sequence and biophysical properties (such as structural, functional, and spatial information, amino acid conservation, physicochemical variation, residue mobility, and thermodynamic stability) indicates that this missense variant is not expected to disrupt PHOX2B protein function with a negative predictive value of 80%. In summary, the available evidence is currently insufficient to determine the role of this variant in disease. Therefore, it has been classified as a Variant of Uncertain Significance.

Baylor Genetics
Classification: Uncertain significance for Neuroblastoma, susceptibility to, 2. Last evaluated: 2024-03-06. Review status: criteria provided, single submitter. Criteria: ACMG Guidelines, 2015. Collection method: clinical testing. Allele origin: unknown.

GeneDx
Classification: Uncertain significance. Last evaluated: 2023-09-13. Review status: criteria provided, single submitter. Criteria: GeneDx Variant Classification Process June 2021. Collection method: clinical testing. Allele origin: germline. Affected: yes.
Comment: In silico analysis supports that this missense variant does not alter protein structure/function; Has not been previously published as pathogenic or benign to our knowledge

Ambry Genetics
Classification: Benign for Hereditary cancer-predisposing syndrome. Last evaluated: 2022-09-13. Review status: criteria provided, single submitter. Criteria: Ambry Variant Classification Scheme 2023. Collection method: clinical testing. Allele origin: germline.

Sema4
Classification: Uncertain significance for Hereditary cancer-predisposing syndrome. Last evaluated: 2022-02-04. Review status: criteria provided, single submitter. Criteria: Sema4 Curation Guidelines. Collection method: curation. Allele origin: germline.
Comment: The PHOX2B c.227G>C (p.S76T) variant has not been reported in the literature to our knowledge. It was observed in 7/35434 chromosomes of the Latino (AMR) subpopulation in the large and broad cohorts of the Genome Aggregation Database (PMID: 32461654). This variant has been reported in ClinVar (Variation ID 486030). Functional studies have not been performed, and in silico predictions of the variant's effect on protein function are inconclusive. The evidence is insufficient to meet ACMG/AMP criteria for classifying the variant as benign or pathogenic. Thus, the clinical significance of this variant is currently uncertain.

Fulgent Genetics
Classification: Uncertain significance for Central hypoventilation syndrome, congenital, 1, with or without Hirschsprung disease; Neuroblastoma, susceptibility to, 2. Last evaluated: 2018-10-31. Review status: criteria provided, single submitter. Criteria: ACMG Guidelines, 2015. Collection method: clinical testing. Allele origin: unknown.

PreventionGenetics, part of Exact Sciences
Classification: Uncertain significance for PHOX2B-related condition. Last evaluated: 2023-12-11. Review status: no assertion criteria provided. Collection method: clinical testing. Allele origin: germline. Not counted in ClinVar's aggregate classification.
Comment: The PHOX2B c.227G>C variant is predicted to result in the amino acid substitution p.Ser76Thr. To our knowledge, this variant has not been reported in the literature. This variant is reported in 0.020% of alleles in individuals of Latino descent in gnomAD. At this time, the clinical significance of this variant is uncertain due to the absence of conclusive functional and genetic evidence.

NM_003924.4(PHOX2B):c.227G>C (p.Ser76Thr)

Genes: PHOX2B (paired like homeobox 2B; minus strand), PHOX2B-AS1 (PHOX2B antisense RNA 1; plus strand). Cytogenetic location: 4p13.
Variant type: single nucleotide variant.
Coding change: c.227G>C on transcript NM_003924.4 (MANE Select); coding-DNA position 227, G replaced by C.
Protein change: p.Ser76Thr; replaces serine 76 with threonine.
Molecular consequence: missense variant.
Genome position (GRCh38, 1-based): chr4:41,748,384, C>G on the plus strand (G>C on the coding strand, the complement: PHOX2B is on the minus strand). VCF-style: chr4-41748384-C-G. GRCh37 (hg19) VCF-style: chr4-41750401-C-G.
Other names: short protein forms S76T.
Identifiers: ClinVar variation 486030 (VCV000486030.22), dbSNP rs532711949, ClinGen allele CA2901598.